The following is an entry in ClinVar:

NM_004281.4(BAG3):c.891C>T (p.Thr297=)

Gene: BAG3 (BAG cochaperone 3; plus strand). Cytogenetic location: 10q26.11.
Variant type: single nucleotide variant.
Coding change: c.891C>T on transcript NM_004281.4 (MANE Select); coding-DNA position 891, C replaced by T.
Protein change: p.Thr297=; no amino-acid change (threonine 297 retained).
Molecular consequence: synonymous variant.
Genome position (GRCh38, 1-based): chr10:119,672,638, C>T. VCF-style: chr10-119672638-C-T. GRCh37 (hg19) VCF-style: chr10-121432150-C-T.
Other names: p.Thr297=.
Identifiers: ClinVar variation 388776 (VCV000388776.16), dbSNP rs372571986, ClinGen allele CA5716432.
Genomic context (GRCh38, chr10:119,672,638, plus strand): 5'-GGGCTCACCAGCCAGGAGCAGCACGCCACTCCACTCCCCCTCGCCCATCCGTGTGCACAC[C>T]GTGGTCGACAGGCCTCAGGTACGGGAAGTTAGTCGTCAGCAGACTGGTTATGGTGGTATG-3'
Protein context (NP_004272.2, residues 287-307): LHSPSPIRVH[Thr297=]VVDRPQQPMT

ClinVar aggregate classification (germline): Likely benign. Review status: criteria provided, multiple submitters, no conflicts (2 of 4 stars). 6 submissions from 6 submitters: Likely benign (6). Last evaluated 2026-09-21.

Conditions:
Dilated cardiomyopathy 1HH (CMD1HH). Identifiers: Orphanet 154, MedGen C3151293, MONDO:0013479, OMIM 613881.
Myofibrillar myopathy 6. Identifiers: Orphanet 199340, MedGen C2751831, MONDO:0013061, OMIM 612954.
Cardiovascular phenotype. Identifiers: MedGen CN230736.

Allele frequency attached by ClinVar (database versions not stated): gnomAD 0.00003; ESP Exome Variant Server 0.00008; TOPMed 0.00005.
gnomAD v4.1: 103 of 1,613,640 alleles (0.0064%); highest among the groups gnomAD compares: Middle Eastern, 0.016%; no homozygotes.

Submissions (6):

Molecular Diagnostic Laboratory for Inherited Cardiovascular Disease, Montreal Heart Institute
Classification: Likely benign. Last evaluated: 2026-09-21. Review status: criteria provided, single submitter. Criteria: ACMG Guidelines, 2015. Collection method: clinical testing. Allele origin: germline. Affected: no.
Comment: BS1;BP7

Labcorp Genetics (formerly Invitae), Labcorp
Classification: Likely benign for Dilated cardiomyopathy 1HH; Myofibrillar myopathy 6. Last evaluated: 2026-01-25. Review status: criteria provided, single submitter. Criteria: Invitae Variant Classification Sherloc (09022015). Collection method: clinical testing. Allele origin: germline.

Mayo Clinic Laboratories, Mayo Clinic
Classification: Likely benign. Last evaluated: 2025-06-03. Review status: criteria provided, single submitter. Criteria: ACMG Guidelines, 2015. Collection method: clinical testing. Allele origin: germline. Observed: 1 variant allele.
Comment: BP4, BP7, PM2_supporting

Blueprint Genetics
Classification: Likely benign. Last evaluated: 2024-11-12. Review status: criteria provided, single submitter. Criteria: ACMG Guidelines, 2015. Collection method: clinical testing. Allele origin: germline.

Ambry Genetics
Classification: Likely benign for Cardiovascular phenotype. Last evaluated: 2020-08-27. Review status: criteria provided, single submitter. Criteria: Ambry Variant Classification Scheme 2023. Collection method: clinical testing. Allele origin: germline.

GeneDx
Classification: Likely benign. Last evaluated: 2017-12-18. Review status: criteria provided, single submitter. Criteria: GeneDx Variant Classification (06012015). Collection method: clinical testing. Allele origin: germline. Affected: yes.
Comment: This variant is considered likely benign or benign based on one or more of the following criteria: it is a conservative change, it occurs at a poorly conserved position in the protein, it is predicted to be benign by multiple in silico algorithms, and/or has population frequency not consistent with disease.

Literature cited by the submitters: PubMed 36382946 (cited by Mayo Clinic Laboratories, Mayo Clinic).